The following is an entry in ClinVar:

NM_025150.5(TARS2):c.8T>A (p.Leu3Gln)

Gene: TARS2 (threonyl-tRNA synthetase 2, mitochondrial; plus strand). Cytogenetic location: 1q21.2.
Variant type: single nucleotide variant.
Coding change: c.8T>A on transcript NM_025150.5 (MANE Select); coding-DNA position 8, T replaced by A.
Protein change: p.Leu3Gln; replaces leucine 3 with glutamine.
Molecular consequence: missense variant. On other transcripts: non-coding transcript variant (2).
Genome position (GRCh38, 1-based): chr1:150,487,458, T>A. VCF-style: chr1-150487458-T-A. GRCh37 (hg19) VCF-style: chr1-150459934-T-A.
Other names: c.8T>A, p.Leu3Gln (NM_001271895.2, NM_001271896.2); short protein forms L3Q.
Identifiers: ClinVar variation 1905892 (VCV001905892.5), dbSNP rs955443982, ClinGen allele CA342315853.

ClinVar aggregate classification (germline): Uncertain significance (1 of 4 stars; one submission).

gnomAD v4.1: 8 of 1,614,232 alleles (0.0005%); highest among the groups gnomAD compares: African/African-American, 0.008%; no homozygotes.

Submission:

Labcorp Genetics (formerly Invitae), Labcorp
Classification: Uncertain significance. Last evaluated: 2022-08-31. Review status: criteria provided, single submitter. Criteria: Invitae Variant Classification Sherloc (09022015). Collection method: clinical testing. Allele origin: germline.
Comment: In summary, the available evidence is currently insufficient to determine the role of this variant in disease. Therefore, it has been classified as a Variant of Uncertain Significance. Algorithms developed to predict the effect of missense changes on protein structure and function are either unavailable or do not agree on the potential impact of this missense change (SIFT: "Deleterious"; PolyPhen-2: "Benign"; Align-GVGD: "Class C0"). This variant has not been reported in the literature in individuals affected with TARS2-related conditions. This variant is not present in population databases (gnomAD no frequency). This sequence change replaces leucine, which is neutral and non-polar, with glutamine, which is neutral and polar, at codon 3 of the TARS2 protein (p.Leu3Gln).